The following is an entry in ClinVar:

ClinVar aggregate classification (germline): Uncertain significance (1 of 4 stars; one submission).

Conditions:
Charcot-Marie-Tooth disease axonal type 2V. Also called: CHARCOT-MARIE-TOOTH NEUROPATHY, TYPE 2V; CHARCOT-MARIE-TOOTH DISEASE, AXONAL, AUTOSOMAL DOMINANT, TYPE 2V. Identifiers: Orphanet 447964, MedGen C5569050, MONDO:0014665, OMIM 616491.
Mucopolysaccharidosis, MPS-III-B (MPS3B). Also called: N-ACETYL-ALPHA-D-GLUCOSAMINIDASE DEFICIENCY; NAGLU DEFICIENCY; SANFILIPPO SYNDROME B; MPS III B; MUCOPOLYSACCHARIDOSIS, TYPE IIIB; MPS IIIB (Sanfilippo Syndrome Type B). Identifiers: Orphanet 79270, MedGen C0086648, MONDO:0009656, OMIM 252920.

Submission:

Labcorp Genetics (formerly Invitae), Labcorp
Classification: Uncertain significance for Charcot-Marie-Tooth disease axonal type 2V; Mucopolysaccharidosis, MPS-III-B. Last evaluated: 2022-07-14. Review status: criteria provided, single submitter. Criteria: Invitae Variant Classification Sherloc (09022015). Collection method: clinical testing. Allele origin: germline.
Comment: This sequence change replaces valine, which is neutral and non-polar, with leucine, which is neutral and non-polar, at codon 117 of the NAGLU protein (p.Val117Leu). This variant is not present in population databases (gnomAD no frequency). This variant has not been reported in the literature in individuals affected with NAGLU-related conditions. Advanced modeling of protein sequence and biophysical properties (such as structural, functional, and spatial information, amino acid conservation, physicochemical variation, residue mobility, and thermodynamic stability) performed at Invitae indicates that this missense variant is not expected to disrupt NAGLU protein function. In summary, the available evidence is currently insufficient to determine the role of this variant in disease. Therefore, it has been classified as a Variant of Uncertain Significance.

NM_000263.4(NAGLU):c.349G>C (p.Val117Leu)

Gene: NAGLU (N-acetyl-alpha-glucosaminidase; plus strand). Cytogenetic location: 17q21.2.
Variant type: single nucleotide variant.
Coding change: c.349G>C on transcript NM_000263.4 (MANE Select); coding-DNA position 349, G replaced by C.
Protein change: p.Val117Leu; replaces valine 117 with leucine.
Molecular consequence: missense variant.
Genome position (GRCh38, 1-based): chr17:42,536,621, G>C. VCF-style: chr17-42536621-G-C. GRCh37 (hg19) VCF-style: chr17-40688639-G-C.
Other names: short protein forms V117L.
Identifiers: ClinVar variation 2157667 (VCV002157667.1), dbSNP rs1009074785, ClinGen allele CA399596231.